The following is an entry in ClinVar:

NM_006904.7(PRKDC):c.2270A>G (p.Lys757Arg)

Gene: PRKDC (protein kinase, DNA-activated, catalytic subunit; minus strand). Cytogenetic location: 8q11.21.
Variant type: single nucleotide variant.
Coding change: c.2270A>G on transcript NM_006904.7 (MANE Select); coding-DNA position 2270, A replaced by G.
Protein change: p.Lys757Arg; replaces lysine 757 with arginine.
Molecular consequence: missense variant.
Genome position (GRCh38, 1-based): chr8:47,927,343, T>C on the plus strand (A>G on the coding strand, the complement: PRKDC is on the minus strand). VCF-style: chr8-47927343-T-C. GRCh37 (hg19) VCF-style: chr8-48839903-T-C.
Other names: c.2270A>G, p.Lys757Arg (NM_001081640.2); short protein forms K757R.
Identifiers: ClinVar variation 847958 (VCV000847958.7), dbSNP rs747089655, ClinGen allele CA371162177.

ClinVar aggregate classification (germline): Uncertain significance (1 of 4 stars; one submission).

Conditions:
Severe combined immunodeficiency due to DNA-PKcs deficiency. Also called: Immunodeficiency 26 with or without neurologic abnormalities; IMMUNODEFICIENCY 26 WITH NEUROLOGIC ABNORMALITIES. Identifiers: Orphanet 317425, MedGen C4014833, MONDO:0014423, OMIM 615966.

Allele frequency attached by ClinVar (database versions not stated): gnomAD exomes 0.00001.
gnomAD v4.1: 8 of 1,611,142 alleles (0.0005%); highest among the groups gnomAD compares: Non-Finnish European, 0.00059%; no homozygotes.

Submission:

Labcorp Genetics (formerly Invitae), Labcorp
Classification: Uncertain significance for Severe combined immunodeficiency due to DNA-PKcs deficiency. Last evaluated: 2022-07-06. Review status: criteria provided, single submitter. Criteria: Invitae Variant Classification Sherloc (09022015). Collection method: clinical testing. Allele origin: germline.
Comment: In summary, the available evidence is currently insufficient to determine the role of this variant in disease. Therefore, it has been classified as a Variant of Uncertain Significance. ClinVar contains an entry for this variant (Variation ID: 847958). This variant has not been reported in the literature in individuals affected with PRKDC-related conditions. This variant is present in population databases (no rsID available, gnomAD 0.002%). This sequence change replaces lysine with arginine at codon 757 of the PRKDC protein (p.Lys757Arg). The lysine residue is highly conserved and there is a small physicochemical difference between lysine and arginine.